The following is an entry in ClinVar:

ClinVar aggregate classification (germline): Uncertain significance. Review status: criteria provided, multiple submitters, no conflicts (2 of 4 stars). 2 submissions from 2 submitters: Uncertain significance (2). Last evaluated 2025-08-04.

Conditions:
Inborn genetic diseases. Identifiers: MedGen C0950123, MeSH D030342.

Allele frequency attached by ClinVar (database versions not stated): gnomAD exomes 0.00003; ExAC 0.00011; ESP Exome Variant Server 0.00016; gnomAD 0.00037; TOPMed 0.00042; 1000 Genomes Project 0.00080; 1000 Genomes Project 30x 0.00094.
gnomAD v4.1: 104 of 1,613,980 alleles (0.0064%); highest among the groups gnomAD compares: African/African-American, 0.1%; no homozygotes.

Submissions (2):

Ambry Genetics
Classification: Uncertain significance for Inborn genetic diseases. Last evaluated: 2025-08-04. Review status: criteria provided, single submitter. Criteria: Ambry Variant Classification Scheme 2023. Collection method: clinical testing. Allele origin: germline.

Labcorp Genetics (formerly Invitae), Labcorp
Classification: Uncertain significance. Last evaluated: 2022-08-09. Review status: criteria provided, single submitter. Criteria: Invitae Variant Classification Sherloc (09022015). Collection method: clinical testing. Allele origin: germline.
Comment: This sequence change replaces asparagine, which is neutral and polar, with serine, which is neutral and polar, at codon 1330 of the FAT1 protein (p.Asn1330Ser). In summary, the available evidence is currently insufficient to determine the role of this variant in disease. Therefore, it has been classified as a Variant of Uncertain Significance. Algorithms developed to predict the effect of missense changes on protein structure and function (SIFT, PolyPhen-2, Align-GVGD) all suggest that this variant is likely to be disruptive. This variant has not been reported in the literature in individuals affected with FAT1-related conditions. This variant is present in population databases (rs874111, gnomAD 0.07%).

NM_005245.4(FAT1):c.3989A>G (p.Asn1330Ser)

Gene: FAT1 (FAT atypical cadherin 1; minus strand). Cytogenetic location: 4q35.2.
Variant type: single nucleotide variant.
Coding change: c.3989A>G on transcript NM_005245.4 (MANE Select); coding-DNA position 3989, A replaced by G.
Protein change: p.Asn1330Ser; replaces asparagine 1330 with serine.
Molecular consequence: missense variant.
Genome position (GRCh38, 1-based): chr4:186,636,219, T>C on the plus strand (A>G on the coding strand, the complement: FAT1 is on the minus strand). VCF-style: chr4-186636219-T-C. GRCh37 (hg19) VCF-style: chr4-187557373-T-C.
Other names: c.3989A>G (NM_005245.3); short protein forms N1330S.
Identifiers: ClinVar variation 2047576 (VCV002047576.4), dbSNP rs874111, ClinGen allele CA3166838.
Genomic context (GRCh38, chr4:186,636,219, plus strand): 5'-TTGGGCTTGGAGATCCATTCAATATGGAGTCTGGTGGTTGATGACTTTTGAGGGCGACCA[T>C]TGTCAACTGCCTTAATCTACAACATTTGGGCAGAGGGGATTAAAAACAGCAAATCAGGAG-3'
Protein context (NP_005236.2, residues 1320-1340): YDILSIKAVD[Asn1330Ser]GRPQKSSTTR